The following is an entry in ClinVar:

NM_145290.4(ADGRA3):c.2071C>T (p.Arg691Cys)

Gene: ADGRA3 (adhesion G protein-coupled receptor A3; minus strand). Cytogenetic location: 4p15.2.
Variant type: single nucleotide variant.
Coding change: c.2071C>T on transcript NM_145290.4 (MANE Select); coding-DNA position 2071, C replaced by T.
Protein change: p.Arg691Cys; replaces arginine 691 with cysteine.
Molecular consequence: missense variant.
Genome position (GRCh38, 1-based): chr4:22,413,343, G>A on the plus strand (C>T on the coding strand, the complement: ADGRA3 is on the minus strand). VCF-style: chr4-22413343-G-A. GRCh37 (hg19) VCF-style: chr4-22414966-G-A.
Other names: short protein forms R691C.
Identifiers: ClinVar variation 2965122 (VCV002965122.3), dbSNP rs149970910, ClinGen allele CA2873745.

ClinVar aggregate classification (germline): Uncertain significance (1 of 4 stars; one submission).

Allele frequency attached by ClinVar (database versions not stated): ExAC 0.00001; ESP Exome Variant Server 0.00008.
gnomAD v4.1: 14 of 1,614,010 alleles (0.00087%); highest among the groups gnomAD compares: Non-Finnish European, 0.0011%; no homozygotes.

Submission:

Labcorp Genetics (formerly Invitae), Labcorp
Classification: Uncertain significance. Last evaluated: 2023-08-16. Review status: criteria provided, single submitter. Criteria: Invitae Variant Classification Sherloc (09022015). Collection method: clinical testing. Allele origin: germline.
Comment: This sequence change replaces arginine, which is basic and polar, with cysteine, which is neutral and slightly polar, at codon 691 of the ADGRA3 protein (p.Arg691Cys). This variant is present in population databases (rs149970910, gnomAD 0.0009%). This variant has not been reported in the literature in individuals affected with ADGRA3-related conditions. An algorithm developed to predict the effect of missense changes on protein structure and function (PolyPhen-2) suggests that this variant is likely to be disruptive. In summary, the available evidence is currently insufficient to determine the role of this variant in disease. Therefore, it has been classified as a Variant of Uncertain Significance.